The following is an entry in ClinVar:

ClinVar aggregate classification (germline): Uncertain significance. Review status: criteria provided, multiple submitters, no conflicts (2 of 4 stars). 2 submissions from 2 submitters: Uncertain significance (2). Last evaluated 2025-02-13.

Conditions:
Neurofibromatosis, type 1 (NF1). Also called: NEUROFIBROMATOSIS, TYPE I, SOMATIC; Neurofibromatosis, type I; VON RECKLINGHAUSEN DISEASE; Peripheral type neurofibromatosis. Identifiers: Orphanet 636, MedGen C0027831, MONDO:0018975, OMIM 162200. Disease mechanism: loss of function.
Cardiovascular phenotype. Identifiers: MedGen CN230736.
Hereditary cancer-predisposing syndrome. Also called: Hereditary Cancer Syndrome; Neoplastic Syndromes, Hereditary; Tumor predisposition; Hereditary neoplastic syndrome. Identifiers: Orphanet 140162, MedGen C0027672, MeSH D009386, MONDO:0015356.

gnomAD v4.1: 2 of 1,614,000 alleles (0.00012%); highest among the groups gnomAD compares: Non-Finnish European, 0.00017%; no homozygotes.

Submissions (2):

Ambry Genetics
Classification: Uncertain significance for Cardiovascular phenotype; Hereditary cancer-predisposing syndrome. Last evaluated: 2025-02-13. Review status: criteria provided, single submitter. Criteria: Ambry Variant Classification Scheme 2023. Collection method: clinical testing. Allele origin: germline.
Comment: The p.E2427D variant (also known as c.7281A>T), located in coding exon 49 of the NF1 gene, results from an A to T substitution at nucleotide position 7281. The glutamic acid at codon 2427 is replaced by aspartic acid, an amino acid with highly similar properties. This amino acid position is conserved. In addition, this alteration is predicted to be tolerated by in silico analysis. Based on the available evidence, the clinical significance of this variant remains unclear.

Labcorp Genetics (formerly Invitae), Labcorp
Classification: Uncertain significance for Neurofibromatosis, type 1. Last evaluated: 2024-04-29. Review status: criteria provided, single submitter. Criteria: Invitae Variant Classification Sherloc (09022015). Collection method: clinical testing. Allele origin: germline.
Comment: This sequence change replaces glutamic acid, which is acidic and polar, with aspartic acid, which is acidic and polar, at codon 2427 of the NF1 protein (p.Glu2427Asp). This variant is not present in population databases (gnomAD no frequency). This variant has not been reported in the literature in individuals affected with NF1-related conditions. Advanced modeling of protein sequence and biophysical properties (such as structural, functional, and spatial information, amino acid conservation, physicochemical variation, residue mobility, and thermodynamic stability) performed at Invitae indicates that this missense variant is not expected to disrupt NF1 protein function with a negative predictive value of 95%. In summary, the available evidence is currently insufficient to determine the role of this variant in disease. Therefore, it has been classified as a Variant of Uncertain Significance.

NM_001042492.3(NF1):c.7344A>T (p.Glu2448Asp)

Gene: NF1 (neurofibromin 1; plus strand). Cytogenetic location: 17q11.2.
Variant type: single nucleotide variant.
Coding change: c.7344A>T on transcript NM_001042492.3 (MANE Select); coding-DNA position 7344, A replaced by T.
Protein change: p.Glu2448Asp; replaces glutamic acid 2448 with aspartic acid.
Molecular consequence: missense variant.
Genome position (GRCh38, 1-based): chr17:31,350,205, A>T. VCF-style: chr17-31350205-A-T. GRCh37 (hg19) VCF-style: chr17-29677223-A-T.
Other names: c.7281A>T, p.Glu2427Asp (NM_000267.4); short protein forms E2427D, E2448D.
Identifiers: ClinVar variation 3702219 (VCV003702219.2).